The following is an entry in ClinVar:

ClinVar aggregate classification (germline): Uncertain significance (1 of 4 stars; one submission).

Conditions:
Ehlers-Danlos syndrome, dermatosparaxis type. Also called: Ehlers-Danlos syndrome, type VII, autosomal recessive; Dermatosparaxis; EDS VIIC. Identifiers: Orphanet 1901, MedGen C2700425, MONDO:0009161, OMIM 225410.

Submission:

Myriad Genetics, Inc.
Classification: Uncertain significance for Ehlers-Danlos syndrome, dermatosparaxis type. Last evaluated: 2025-12-12. Review status: criteria provided, single submitter. Criteria: Myriad Autosomal Dominant, Autosomal Recessive and X-Linked Classification Criteria (2023). Collection method: clinical testing. Allele origin: unknown.
Comment: NM_014244.4(ADAMTS2):c.496_501del6(E166_A167del) is an in-frame deletion classified as a variant of uncertain significance in the context of Ehlers-Danlos syndrome, ADAMTS2-related. E166_A167del has not been observed in cases with relevant disease. Relevant functional assessments of this variant are not available in the literature. E166_A167del has not been observed in referenced population frequency databases. In summary, there is insufficient evidence to classify NM_014244.4(ADAMTS2):c.496_501del6(E166_A167del) as pathogenic or benign. Please note: this variant was assessed in the context of healthy population screening.

NM_014244.5(ADAMTS2):c.496_501del (p.Glu166_Ala167del)

Gene: ADAMTS2 (ADAM metallopeptidase with thrombospondin type 1 motif 2; minus strand). Cytogenetic location: 5q35.3.
Variant type: Deletion.
Coding change: c.496_501del on transcript NM_014244.5 (MANE Select); coding-DNA positions 496 to 501, 6 bases deleted (GAAGCC; older notation c.496_501delGAAGCC).
Protein change: p.Glu166_Ala167del.
Molecular consequence: inframe deletion.
Genome position (GRCh38, 1-based): chr5:179,343,800-179,343,805, GGCTTC deleted on the plus strand (GAAGCC on the coding strand, the reverse complement: ADAMTS2 is on the minus strand); deleting any 6 consecutive bases within chr5:179,343,800-179,343,809 gives the same sequence; the c. name uses the placement nearest the transcript's 3' end. VCF-style (leftmost placement, unchanged base first): chr5-179343799-AGGCTTC-A. GRCh37 (hg19) VCF-style: chr5-178770800-AGGCTTC-A.
Other names: c.496_501del, p.Glu166_Ala167del (NM_021599.4).
Identifiers: ClinVar variation 5003728 (VCV005003728.1).